The following is an entry in ClinVar:

NM_001184.4(ATR):c.980T>C (p.Val327Ala)

Gene: ATR (ATR serine/threonine kinase; minus strand). Cytogenetic location: 3q23.
Variant type: single nucleotide variant.
Coding change: c.980T>C on transcript NM_001184.4 (MANE Select); coding-DNA position 980, T replaced by C.
Protein change: p.Val327Ala; replaces valine 327 with alanine.
Molecular consequence: missense variant.
Genome position (GRCh38, 1-based): chr3:142,562,422, A>G on the plus strand (T>C on the coding strand, the complement: ATR is on the minus strand). VCF-style: chr3-142562422-A-G. GRCh37 (hg19) VCF-style: chr3-142281264-A-G.
Other names: c.980T>C, p.Val327Ala (NM_001354579.2); short protein forms V327A.
Identifiers: ClinVar variation 3463433 (VCV003463433.1).

ClinVar aggregate classification (germline): Uncertain significance (1 of 4 stars; one submission).

Conditions:
Inborn genetic diseases. Identifiers: MedGen C0950123, MeSH D030342.

Submission:

Ambry Genetics
Classification: Uncertain significance for Inborn genetic diseases. Last evaluated: 2024-11-16. Review status: criteria provided, single submitter. Criteria: Ambry Variant Classification Scheme 2023. Collection method: clinical testing. Allele origin: germline.
Comment: The p.V327A variant (also known as c.980T>C), located in coding exon 4 of the ATR gene, results from a T to C substitution at nucleotide position 980. The valine at codon 327 is replaced by alanine, an amino acid with similar properties. This amino acid position is conserved. In addition, this alteration is predicted to be tolerated by in silico analysis. Based on the available evidence, the clinical significance of this variant remains unclear.